The following is an entry in ClinVar:

NM_000338.3(SLC12A1):c.629-164G>A

Gene: SLC12A1 (solute carrier family 12 member 1; plus strand). Cytogenetic location: 15q21.1.
Variant type: single nucleotide variant.
Coding change: c.629-164G>A on transcript NM_000338.3 (MANE Select); 164 bases into the intron before coding-DNA position 629, G replaced by A.
Molecular consequence: intron variant.
Genome position (GRCh38, 1-based): chr15:48,226,312, G>A. VCF-style: chr15-48226312-G-A. GRCh37 (hg19) VCF-style: chr15-48518509-G-A.
Other names: c.724+365G>A (NM_001384136.1); c.629-767G>A (NM_001184832.2).
Identifiers: ClinVar variation 1706892 (VCV001706892.2), dbSNP rs35928995, ClinGen allele CA269458135.
Genomic context (GRCh38, chr15:48,226,312, plus strand): 5'-TTTCGATTGTGTTTACTTTTGGAAACCATCCTTCATCATAATGAGCAGTTCTCTGACTTG[G>A]TCTTTATGCCAGGCAAACCAGTTTCTCCTTAGCACAAAGAAACCCCGTTGGAGCCCGAGG-3'

ClinVar aggregate classification (germline): Likely benign (1 of 4 stars; one submission).

Allele frequency attached by ClinVar (database versions not stated): gnomAD exomes 0.00071; 1000 Genomes Project 0.00659; 1000 Genomes Project 30x 0.00671; gnomAD 0.00866; TOPMed 0.00965.
gnomAD v4.1: 1,618 of 551,800 alleles (0.29%); highest among the groups gnomAD compares: African/African-American, 2.9%; 23 homozygotes.

Submission:

GeneDx
Classification: Likely benign. Last evaluated: 2020-09-10. Review status: criteria provided, single submitter. Criteria: GeneDx Variant Classification Process June 2021. Collection method: clinical testing. Allele origin: germline. Affected: yes.
Comment: See Variant Classification Assertion Criteria.